The following is an entry in ClinVar:

NM_000096.4(CP):c.394+6T>C

Gene: CP (ceruloplasmin; minus strand). Cytogenetic location: 3q25.1.
Variant type: single nucleotide variant.
Coding change: c.394+6T>C on transcript NM_000096.4 (MANE Select); 6 bases into the intron after coding-DNA position 394, T replaced by C.
Molecular consequence: intron variant.
Genome position (GRCh38, 1-based): chr3:149,212,445, A>G on the plus strand (T>C on the coding strand, the complement: CP is on the minus strand). VCF-style: chr3-149212445-A-G. GRCh37 (hg19) VCF-style: chr3-148930232-A-G.
Identifiers: ClinVar variation 2021153 (VCV002021153.4), dbSNP rs2472869188, ClinGen allele CA2577932850.

ClinVar aggregate classification (germline): Uncertain significance (1 of 4 stars; one submission).

Conditions:
Deficiency of ferroxidase (ACEP). Also called: NEURODEGENERATION WITH BRAIN IRON ACCUMULATION 10; Aceruloplasminemia; Ceruloplasmin deficiency; Familial apoceruloplasmin deficiency; Hereditary ceruloplasmin deficiency; Deficiency of ceruloplasmin. Identifiers: Orphanet 48818, MedGen C0878682, MONDO:0011426, OMIM 604290, HP:0025498.

Allele frequency attached by ClinVar (database versions not stated): gnomAD exomes below 0.00001.
gnomAD v4.1: 1 of 1,613,918 alleles (0.000062%); highest among the groups gnomAD compares: Non-Finnish European, 0.000085%; no homozygotes.

Submission:

Labcorp Genetics (formerly Invitae), Labcorp
Classification: Uncertain significance for Deficiency of ferroxidase. Last evaluated: 2022-08-02. Review status: criteria provided, single submitter. Criteria: Invitae Variant Classification Sherloc (09022015). Collection method: clinical testing. Allele origin: germline.
Comment: This sequence change falls in intron 2 of the CP gene. It does not directly change the encoded amino acid sequence of the CP protein. It affects a nucleotide within the consensus splice site. This variant is not present in population databases (gnomAD no frequency). This variant has not been reported in the literature in individuals affected with CP-related conditions. Variants that disrupt the consensus splice site are a relatively common cause of aberrant splicing (PMID: 17576681, 9536098). Algorithms developed to predict the effect of sequence changes on RNA splicing suggest that this variant may disrupt the consensus splice site. In summary, the available evidence is currently insufficient to determine the role of this variant in disease. Therefore, it has been classified as a Variant of Uncertain Significance.

Literature cited by the submitters: PubMed 17576681; PubMed 9536098.